The following is an entry in ClinVar:

ClinVar aggregate classification (germline): Uncertain significance (1 of 4 stars; one submission).

Submission:

GeneDx
Classification: Uncertain significance. Last evaluated: 2024-01-01. Review status: criteria provided, single submitter. Criteria: GeneDx Variant Classification Process June 2021. Collection method: clinical testing. Allele origin: germline. Affected: yes.
Comment: Not observed at significant frequency in large population cohorts (gnomAD); In silico analysis supports that this variant does not alter splicing; Has not been previously published as pathogenic or benign to our knowledge; Reported using an alternate transcript of the gene

NM_181552.4(CUX1):c.24G>T (p.Arg8Ser)

Gene: CUX1 (cut like homeobox 1; plus strand). Cytogenetic location: 7q22.1.
Variant type: single nucleotide variant.
Coding change: c.24G>T on transcript NM_181552.4 (MANE Select); coding-DNA position 24, G replaced by T.
Protein change: p.Arg8Ser; replaces arginine 8 with serine.
Molecular consequence: missense variant. On other transcripts: intron variant (6).
Genome position (GRCh38, 1-based): chr7:101,817,663, G>T. VCF-style: chr7-101817663-G-T. GRCh37 (hg19) VCF-style: chr7-101460943-G-T.
Other names: c.63+1570G>T (NM_001913.5, NM_181500.4, NM_001202545.3 and 3 more transcripts); short protein forms R8S.
Identifiers: ClinVar variation 3367276 (VCV003367276.1).